The following is an entry in ClinVar:

ClinVar aggregate classification (germline): Uncertain significance. Review status: criteria provided, single submitter (1 of 4 stars). 2 submissions from 2 submitters: Uncertain significance (1). 1 of the submissions does not count toward it. Last evaluated 2021-08-27.

Conditions:
Autism spectrum disorder - epilepsy - arthrogryposis syndrome (AMRS). Identifiers: Orphanet 370943, MedGen C3809910, MONDO:0014248, OMIM 615553.

Allele frequency attached by ClinVar (database versions not stated): ExAC 0.00001; gnomAD 0.00001; gnomAD exomes 0.00001; TOPMed 0.00001.
gnomAD v4.1: 12 of 1,613,758 alleles (0.00074%); highest among the groups gnomAD compares: East Asian, 0.0022%; no homozygotes.

Submissions (2):

Labcorp Genetics (formerly Invitae), Labcorp
Classification: Uncertain significance for Autism spectrum disorder - epilepsy - arthrogryposis syndrome. Last evaluated: 2021-08-27. Review status: criteria provided, single submitter. Criteria: Invitae Variant Classification Sherloc (09022015). Collection method: clinical testing. Allele origin: germline.
Comment: This sequence change replaces arginine with histidine at codon 36 of the SLC35A3 protein (p.Arg36His). The arginine residue is highly conserved and there is a small physicochemical difference between arginine and histidine. This variant is present in population databases (rs747574982, ExAC 0.006%). This variant has not been reported in the literature in individuals affected with SLC35A3-related conditions. Algorithms developed to predict the effect of missense changes on protein structure and function are either unavailable or do not agree on the potential impact of this missense change (SIFT: "Deleterious"; PolyPhen-2: "Benign"; Align-GVGD: "Class C0"). In summary, the available evidence is currently insufficient to determine the role of this variant in disease. Therefore, it has been classified as a Variant of Uncertain Significance.

Natera, Inc.
Classification: Uncertain significance for Arthrogryposis, mental retardation, and seizures. Last evaluated: 2020-03-17. Review status: no assertion criteria provided. Collection method: clinical testing. Allele origin: germline. Not counted in ClinVar's aggregate classification.

NM_012243.3(SLC35A3):c.107G>A (p.Arg36His)

Gene: SLC35A3 (solute carrier family 35 member A3; plus strand). Cytogenetic location: 1p21.2.
Variant type: single nucleotide variant.
Coding change: c.107G>A on transcript NM_012243.3 (MANE Select); coding-DNA position 107, G replaced by A.
Protein change: p.Arg36His; replaces arginine 36 with histidine.
Molecular consequence: missense variant.
Genome position (GRCh38, 1-based): chr1:99,993,661, G>A. VCF-style: chr1-99993661-G-A. GRCh37 (hg19) VCF-style: chr1-100459217-G-A.
Other names: c.107G>A, p.Arg36His (NM_001271684.2); c.233G>A, p.Arg78His (NM_001271685.2); short protein forms R78H, R36H.
Identifiers: ClinVar variation 956734 (VCV000956734.8), dbSNP rs747574982, ClinGen allele CA967518.